The following is an entry in ClinVar:

NM_016180.5(SLC45A2):c.1183A>T (p.Ile395Phe)

Gene: SLC45A2 (solute carrier family 45 member 2; minus strand). Cytogenetic location: 5p13.2.
Variant type: single nucleotide variant.
Coding change: c.1183A>T on transcript NM_016180.5 (MANE Select); coding-DNA position 1183, A replaced by T.
Protein change: p.Ile395Phe; replaces isoleucine 395 with phenylalanine.
Molecular consequence: missense variant.
Genome position (GRCh38, 1-based): chr5:33,947,348, T>A on the plus strand (A>T on the coding strand, the complement: SLC45A2 is on the minus strand). VCF-style: chr5-33947348-T-A. GRCh37 (hg19) VCF-style: chr5-33947453-T-A.
Other names: c.1183A>T, p.Ile395Phe (NM_001012509.4); short protein forms I395F.
Identifiers: ClinVar variation 1934106 (VCV001934106.2), dbSNP rs2478775981, ClinGen allele CA359389092.

ClinVar aggregate classification (germline): Uncertain significance (1 of 4 stars; one submission).

Submission:

Labcorp Genetics (formerly Invitae), Labcorp
Classification: Uncertain significance. Last evaluated: 2022-07-29. Review status: criteria provided, single submitter. Criteria: Invitae Variant Classification Sherloc (09022015). Collection method: clinical testing. Allele origin: germline.
Comment: This sequence change replaces isoleucine, which is neutral and non-polar, with phenylalanine, which is neutral and non-polar, at codon 395 of the SLC45A2 protein (p.Ile395Phe). This variant is not present in population databases (gnomAD no frequency). This variant has not been reported in the literature in individuals affected with SLC45A2-related conditions. Algorithms developed to predict the effect of missense changes on protein structure and function are either unavailable or do not agree on the potential impact of this missense change (SIFT: "Tolerated"; PolyPhen-2: "Possibly Damaging"; Align-GVGD: "Class C0"). In summary, the available evidence is currently insufficient to determine the role of this variant in disease. Therefore, it has been classified as a Variant of Uncertain Significance.